The following is an entry in ClinVar:

ClinVar aggregate classification (germline): Uncertain significance. Review status: criteria provided, multiple submitters, no conflicts (2 of 4 stars). 3 submissions from 3 submitters: Uncertain significance (3). Last evaluated 2025-06-27.

Conditions:
Renal cell carcinoma. Identifiers: Orphanet 217071, MedGen C0007134, MeSH D002292, MONDO:0005086, HP:0005584.
Hereditary cancer-predisposing syndrome. Also called: Hereditary neoplastic syndrome; Tumor predisposition; Neoplastic Syndromes, Hereditary; Hereditary Cancer Syndrome. Identifiers: Orphanet 140162, MedGen C0027672, MeSH D009386, MONDO:0015356.

gnomAD v4.1: 1 of 1,603,620 alleles (0.000062%); highest among the groups gnomAD compares: Non-Finnish European, 0.000085%; no homozygotes.

Submissions (3):

Ambry Genetics
Classification: Uncertain significance for Hereditary cancer-predisposing syndrome. Last evaluated: 2025-06-27. Review status: criteria provided, single submitter. Criteria: Ambry Variant Classification Scheme 2023. Collection method: clinical testing. Allele origin: germline.
Comment: The p.H396P variant (also known as c.1187A>C), located in coding exon 1 of the MET gene, results from an A to C substitution at nucleotide position 1187. The histidine at codon 396 is replaced by proline, an amino acid with similar properties. This amino acid position is well conserved in available vertebrate species. In addition, this alteration is predicted to be tolerated by in silico analysis. Since supporting evidence is limited at this time, the clinical significance of this alteration remains unclear.

Labcorp Genetics (formerly Invitae), Labcorp
Classification: Uncertain significance for Renal cell carcinoma. Last evaluated: 2024-05-13. Review status: criteria provided, single submitter. Criteria: Invitae Variant Classification Sherloc (09022015). Collection method: clinical testing. Allele origin: germline.
Comment: This sequence change replaces histidine, which is basic and polar, with proline, which is neutral and non-polar, at codon 396 of the MET protein (p.His396Pro). This variant is not present in population databases (gnomAD no frequency). This variant has not been reported in the literature in individuals affected with MET-related conditions. ClinVar contains an entry for this variant (Variation ID: 1503654). Advanced modeling of protein sequence and biophysical properties (such as structural, functional, and spatial information, amino acid conservation, physicochemical variation, residue mobility, and thermodynamic stability) performed at Invitae indicates that this missense variant is not expected to disrupt MET protein function with a negative predictive value of 80%. In summary, the available evidence is currently insufficient to determine the role of this variant in disease. Therefore, it has been classified as a Variant of Uncertain Significance.

GeneDx
Classification: Uncertain significance. Last evaluated: 2023-05-09. Review status: criteria provided, single submitter. Criteria: GeneDx Variant Classification Process June 2021. Collection method: clinical testing. Allele origin: germline. Affected: yes.
Comment: Not observed at significant frequency in large population cohorts (gnomAD); In silico analysis supports that this missense variant does not alter protein structure/function; Has not been previously published as pathogenic or benign to our knowledge

NM_000245.4(MET):c.1187A>C (p.His396Pro)

Gene: MET (MET proto-oncogene, receptor tyrosine kinase; plus strand). Cytogenetic location: 7q31.2.
Variant type: single nucleotide variant.
Coding change: c.1187A>C on transcript NM_000245.4 (MANE Select); coding-DNA position 1187, A replaced by C.
Protein change: p.His396Pro; replaces histidine 396 with proline.
Molecular consequence: missense variant. On other transcripts: intron variant (1).
Genome position (GRCh38, 1-based): chr7:116,700,271, A>C. VCF-style: chr7-116700271-A-C. GRCh37 (hg19) VCF-style: chr7-116340325-A-C.
Other names: c.1187A>C (NM_001127500.1); c.1187A>C, p.His396Pro (NM_001127500.3, NM_001324401.3); c.-91+27694A>C (NM_001324402.2); short protein forms H396P.
Identifiers: ClinVar variation 1503654 (VCV001503654.12), dbSNP rs2116607543, ClinGen allele CA368970737.